The following is an entry in ClinVar:

NM_033056.4(PCDH15):c.4523A>C (p.Lys1508Thr)

Gene: PCDH15 (protocadherin related 15; minus strand). Cytogenetic location: 10q21.1.
Variant type: single nucleotide variant.
Coding change: c.4523A>C on transcript NM_033056.4 (MANE Plus Clinical); coding-DNA position 4523, A replaced by C.
Protein change: p.Lys1508Thr; replaces lysine 1508 with threonine.
Molecular consequence: missense variant. On other transcripts: intron variant (8).
Genome position (GRCh38, 1-based): chr10:53,823,203, T>G on the plus strand (A>C on the coding strand, the complement: PCDH15 is on the minus strand). VCF-style: chr10-53823203-T-G. GRCh37 (hg19) VCF-style: chr10-55582963-T-G.
Other names: c.4544A>C, p.Lys1515Thr (NM_001142763.2); c.4529A>C, p.Lys1510Thr (NM_001142764.2); c.4316A>C, p.Lys1439Thr (NM_001142765.2); c.4514A>C, p.Lys1505Thr (NM_001142766.2); c.4403A>C, p.Lys1468Thr (NM_001142767.2); c.4463A>C, p.Lys1488Thr (NM_001142768.2); c.4454A>C, p.Lys1485Thr (NM_001142773.2); c.4457A>C, p.Lys1486Thr (NM_001354404.2); and 6 more; short protein forms K1485T, K1508T, K1515T, K1439T, K1468T, K1488T, K1486T, K1505T.
Identifiers: ClinVar variation 1967550 (VCV001967550.5), dbSNP rs755797602, ClinGen allele CA376527144.

ClinVar aggregate classification (germline): Uncertain significance (1 of 4 stars; one submission).

Submission:

Labcorp Genetics (formerly Invitae), Labcorp
Classification: Uncertain significance. Last evaluated: 2022-06-19. Review status: criteria provided, single submitter. Criteria: Invitae Variant Classification Sherloc (09022015). Collection method: clinical testing. Allele origin: germline.
Comment: In summary, the available evidence is currently insufficient to determine the role of this variant in disease. Therefore, it has been classified as a Variant of Uncertain Significance. Algorithms developed to predict the effect of missense changes on protein structure and function output the following: SIFT: "Tolerated"; PolyPhen-2: "Benign"; Align-GVGD: "Class C0". The threonine amino acid residue is found in multiple mammalian species, which suggests that this missense change does not adversely affect protein function. This variant has not been reported in the literature in individuals affected with PCDH15-related conditions. This variant is not present in population databases (gnomAD no frequency). This sequence change replaces lysine, which is basic and polar, with threonine, which is neutral and polar, at codon 1508 of the PCDH15 protein (p.Lys1508Thr).